The following is an entry in ClinVar:

NM_003640.5(ELP1):c.865-2A>G

Gene: ELP1 (elongator acetyltransferase complex subunit 1; minus strand). Cytogenetic location: 9q31.3.
Variant type: single nucleotide variant.
Coding change: c.865-2A>G on transcript NM_003640.5 (MANE Select); the canonical splice acceptor site of the intron before coding-DNA position 865, A replaced by G.
Molecular consequence: splice acceptor variant.
Genome position (GRCh38, 1-based): chr9:108,916,299, T>C on the plus strand (A>G on the coding strand, the complement: ELP1 is on the minus strand). VCF-style: chr9-108916299-T-C. GRCh37 (hg19) VCF-style: chr9-111678579-T-C.
Other names: c.523-2A>G (NM_001318360.2); c.-183-2A>G (NM_001330749.2).
Identifiers: ClinVar variation 4815253 (VCV004815253.1).

ClinVar aggregate classification (germline): Likely pathogenic (1 of 4 stars; one submission).

Conditions:
Familial dysautonomia. Also called: HSAN III; FD. Identifiers: Orphanet 1764, MedGen C0013364, MONDO:0009131, OMIM 223900. Disease mechanism: loss of function.

Submission:

Natera, Inc.
Classification: Likely pathogenic for Familial dysautonomia. Last evaluated: 2025-05-05. Review status: criteria provided, single submitter. Criteria: Natera Variant Classification Schema (03/2026). Collection method: clinical testing. Allele origin: germline.
Comment: The c.865-2A>G variant in ELP1 is a canonical splice acceptor site variant predicted to affect pre-mRNA splicing, which may result in an abnormal transcript and altered protein product. This variant is expected to result in nonsense mediated decay, truncation, or a dysfunctional protein product. This variant is rare in the general population with a frequency below the threshold expected for the associated phenotype(s). Given the available evidence, this variant is classified as Likely Pathogenic.